The following is an entry in ClinVar:

NM_015450.3(POT1):c.704T>C (p.Val235Ala)

Gene: POT1 (protection of telomeres 1; minus strand). Cytogenetic location: 7q31.33.
Variant type: single nucleotide variant.
Coding change: c.704T>C on transcript NM_015450.3 (MANE Select); coding-DNA position 704, T replaced by C.
Protein change: p.Val235Ala; replaces valine 235 with alanine.
Molecular consequence: missense variant. On other transcripts: non-coding transcript variant (3).
Genome position (GRCh38, 1-based): chr7:124,853,137, A>G on the plus strand (T>C on the coding strand, the complement: POT1 is on the minus strand). VCF-style: chr7-124853137-A-G. GRCh37 (hg19) VCF-style: chr7-124493191-A-G.
Other names: c.311T>C, p.Val104Ala (NM_001042594.2); short protein forms V104A, V235A.
Identifiers: ClinVar variation 1756881 (VCV001756881.2), dbSNP rs2485442304, ClinGen allele CA369055767.
Genomic context (GRCh38, chr7:124,853,137, plus strand): 5'-TTCTCTGAATTCATTGATTGAAGTTTGGTATGAAGGCTATAGATTCTAAGAAAGCTTCCA[A>G]CCTAAAAAATAGATCATTTGTTATTTAGAAAGTGGGGAAAAATTAAAATACTTCTGATAT-3'
Protein context (NP_056265.2, residues 225-245): NHVHVARSLK[Val235Ala]GSFLRIYSLH

ClinVar aggregate classification (germline): Uncertain significance (1 of 4 stars; one submission).

Conditions:
Hereditary cancer-predisposing syndrome. Also called: Neoplastic Syndromes, Hereditary; Tumor predisposition; Hereditary Cancer Syndrome; Hereditary neoplastic syndrome. Identifiers: Orphanet 140162, MedGen C0027672, MeSH D009386, MONDO:0015356.

Submission:

Ambry Genetics
Classification: Uncertain significance for Hereditary cancer-predisposing syndrome. Last evaluated: 2022-03-30. Review status: criteria provided, single submitter. Criteria: Ambry Variant Classification Scheme 2023. Collection method: clinical testing. Allele origin: germline.
Comment: The p.V235A variant (also known as c.704T>C), located in coding exon 6 of the POT1 gene, results from a T to C substitution at nucleotide position 704. The valine at codon 235 is replaced by alanine, an amino acid with similar properties. This amino acid position is conserved. In addition, this alteration is predicted to be tolerated by in silico analysis. Since supporting evidence is limited at this time, the clinical significance of this alteration remains unclear.